The following is an entry in ClinVar:

NM_005257.6(GATA6):c.1523G>A (p.Ser508Asn)

Gene: GATA6 (GATA binding protein 6; plus strand). Cytogenetic location: 18q11.2.
Variant type: single nucleotide variant.
Coding change: c.1523G>A on transcript NM_005257.6 (MANE Select); coding-DNA position 1523, G replaced by A.
Protein change: p.Ser508Asn; replaces serine 508 with asparagine.
Molecular consequence: missense variant.
Genome position (GRCh38, 1-based): chr18:22,182,946, G>A. VCF-style: chr18-22182946-G-A. GRCh37 (hg19) VCF-style: chr18-19762907-G-A.
Other names: short protein forms S508N.
Identifiers: ClinVar variation 3672981 (VCV003672981.2).

ClinVar aggregate classification (germline): Uncertain significance (1 of 4 stars; one submission).

Conditions:
Atrioventricular septal defect 5 (AVSD5). Identifiers: MedGen C3280939, MONDO:0013769, OMIM 614474.

Submission:

Labcorp Genetics (formerly Invitae), Labcorp
Classification: Uncertain significance for Atrioventricular septal defect 5. Last evaluated: 2025-01-21. Review status: criteria provided, single submitter. Criteria: Invitae Variant Classification Sherloc (09022015). Collection method: clinical testing. Allele origin: germline.
Comment: This sequence change replaces serine, which is neutral and polar, with asparagine, which is neutral and polar, at codon 508 of the GATA6 protein (p.Ser508Asn). This variant is not present in population databases (gnomAD no frequency). This variant has not been reported in the literature in individuals affected with GATA6-related conditions. Invitae Evidence Modeling of protein sequence and biophysical properties (such as structural, functional, and spatial information, amino acid conservation, physicochemical variation, residue mobility, and thermodynamic stability) indicates that this missense variant is not expected to disrupt GATA6 protein function with a negative predictive value of 80%. In summary, the available evidence is currently insufficient to determine the role of this variant in disease. Therefore, it has been classified as a Variant of Uncertain Significance.